The following is an entry in ClinVar:

ClinVar aggregate classification (germline): Uncertain significance (1 of 4 stars; one submission).

Submission:

Ambry Genetics
Classification: Uncertain significance. Last evaluated: 2026-06-24. Review status: criteria provided, single submitter. Criteria: Ambry Variant Classification Scheme 2023. Collection method: clinical testing. Allele origin: germline.
Comment: The c.773C>T (p.T258I) alteration is located in exon 7 (coding exon 6) of the SAMD14 gene. This alteration results from a C to T substitution at nucleotide position 773, causing the threonine (T) at amino acid position 258 to be replaced by an isoleucine (I). Based on data from gnomAD, the T allele has an overall frequency of <0.001% (0/241174) total alleles studied. The highest observed frequency was <0.001% (/) of alleles. Based on insufficient or conflicting evidence, the clinical significance of this alteration remains unclear.

NM_001257359.2(SAMD14):c.773C>T (p.Thr258Ile)

Gene: SAMD14 (sterile alpha motif domain containing 14; minus strand). Cytogenetic location: 17q21.33.
Variant type: single nucleotide variant.
Coding change: c.773C>T on transcript NM_001257359.2 (MANE Select); coding-DNA position 773, C replaced by T.
Protein change: p.Thr258Ile; replaces threonine 258 with isoleucine.
Molecular consequence: missense variant.
Genome position (GRCh38, 1-based): chr17:50,115,613, G>A on the plus strand (C>T on the coding strand, the complement: SAMD14 is on the minus strand). VCF-style: chr17-50115613-G-A. GRCh37 (hg19) VCF-style: chr17-48192977-G-A.
Other names: c.773C>T, p.Thr258Ile (NM_174920.4); short protein forms T258I.
Identifiers: ClinVar variation 5028724 (VCV005028724.1).